The following is an entry in ClinVar:

NM_000179.3(MSH6):c.59C>A (p.Ala20Asp)

Gene: MSH6 (mutS homolog 6; plus strand). Cytogenetic location: 2p16.3.
Variant type: single nucleotide variant.
Coding change: c.59C>A on transcript NM_000179.3 (MANE Select); coding-DNA position 59, C replaced by A.
Protein change: p.Ala20Asp; replaces alanine 20 with aspartic acid.
Molecular consequence: missense variant. On other transcripts: 5 prime UTR variant (1).
Genome position (GRCh38, 1-based): chr2:47,783,292, C>A. VCF-style: chr2-47783292-C-A. GRCh37 (hg19) VCF-style: chr2-48010431-C-A.
Other names: c.59C>A, p.Ala20Asp (NM_001281492.2, NM_001406795.1, NM_001406796.1 and 9 more transcripts); c.-678C>A (NM_001281493.2, NM_001406811.1); c.-270C>A (NM_001406799.1); c.4C>A, p.Pro2Thr (NM_001406804.1); c.-870C>A (NM_001406807.1); c.-525C>A (NM_001406812.1); c.-936C>A (NM_001406814.1); c.-481C>A (NM_001406816.1); short protein forms A20D, P2T.
Identifiers: ClinVar variation 1750955 (VCV001750955.2), dbSNP rs63750664, ClinGen allele CA073139.

ClinVar aggregate classification (germline): Uncertain significance (1 of 4 stars; one submission).

Conditions:
Hereditary cancer-predisposing syndrome. Also called: Hereditary Cancer Syndrome; Hereditary neoplastic syndrome; Neoplastic Syndromes, Hereditary; Tumor predisposition. Identifiers: Orphanet 140162, MedGen C0027672, MeSH D009386, MONDO:0015356.

Allele frequency attached by ClinVar (database versions not stated): 1000 Genomes Project 30x 0.00031; 1000 Genomes Project 0.00020.
gnomAD v4.1: 1 of 1,612,156 alleles (0.000062%); highest among the groups gnomAD compares: East Asian, 0.0022%; no homozygotes.

Submission:

Ambry Genetics
Classification: Uncertain significance for Hereditary cancer-predisposing syndrome. Last evaluated: 2019-04-04. Review status: criteria provided, single submitter. Criteria: Ambry Variant Classification Scheme 2023. Collection method: clinical testing. Allele origin: germline.
Comment: The p.A20D variant (also known as c.59C>A), located in coding exon 1 of the MSH6 gene, results from a C to A substitution at nucleotide position 59. The alanine at codon 20 is replaced by aspartic acid, an amino acid with dissimilar properties. This amino acid position is poorly conserved in available vertebrate species. In addition, this alteration is predicted to be tolerated by in silico analysis. In addition, the CoDP in silico tool predicts this alteration to have a minor impact on molecular function, with a score of 0.000 (Terui H et al. J. Biomed. Sci. 2013 Apr;20:25). Since supporting evidence is limited at this time, the clinical significance of this alteration remains unclear.